The following is an entry in ClinVar:

ClinVar aggregate classification (germline): Uncertain significance (1 of 4 stars; one submission).

Conditions:
Hereditary breast ovarian cancer syndrome. Also called: BRCA1- and BRCA2-Associated Hereditary Breast and Ovarian Cancer; Hereditary breast and ovarian cancer; Hereditary breast and ovarian cancer syndrome (HBOC); Hereditary breast and/or ovarian cancer syndrome; Hereditary breast and ovarian cancer syndrome; Breast and ovarian cancer. Identifiers: Orphanet 145, MedGen C0677776, MeSH D061325, MONDO:0003582. Disease mechanism: loss of function.

Allele frequency attached by ClinVar (database versions not stated): gnomAD exomes below 0.00001.
gnomAD v4.1: 1 of 1,606,378 alleles (0.000062%); highest among the groups gnomAD compares: East Asian, 0.0022%; no homozygotes.

Submission:

Labcorp Genetics (formerly Invitae), Labcorp
Classification: Uncertain significance for Hereditary breast ovarian cancer syndrome. Last evaluated: 2022-12-16. Review status: criteria provided, single submitter. Criteria: Invitae Variant Classification Sherloc (09022015). Collection method: clinical testing. Allele origin: germline.
Comment: This sequence change replaces lysine, which is basic and polar, with glutamine, which is neutral and polar, at codon 610 of the BRCA2 protein (p.Lys610Gln). This variant is not present in population databases (gnomAD no frequency). This missense change has been observed in individual(s) with clinical features of BRCA2-related conditions (PMID: 19016756). Advanced modeling of protein sequence and biophysical properties (such as structural, functional, and spatial information, amino acid conservation, physicochemical variation, residue mobility, and thermodynamic stability) performed at Invitae indicates that this missense variant is not expected to disrupt BRCA2 protein function. In summary, the available evidence is currently insufficient to determine the role of this variant in disease. Therefore, it has been classified as a Variant of Uncertain Significance.

Literature cited by the submitters: PubMed 19016756.

NM_000059.4(BRCA2):c.1828A>C (p.Lys610Gln)

Gene: BRCA2 (BRCA2 DNA repair associated; plus strand). Cytogenetic location: 13q13.1.
Variant type: single nucleotide variant.
Coding change: c.1828A>C on transcript NM_000059.4 (MANE Select); coding-DNA position 1828, A replaced by C.
Protein change: p.Lys610Gln; replaces lysine 610 with glutamine.
Molecular consequence: missense variant. On other transcripts: non-coding transcript variant (1), intron variant (1).
Genome position (GRCh38, 1-based): chr13:32,333,306, A>C. VCF-style: chr13-32333306-A-C. GRCh37 (hg19) VCF-style: chr13-32907443-A-C.
Other names: c.1828A>C, p.Lys610Gln (NM_001406719.1, NM_001406720.1, NM_001406721.1); c.424+2276A>C (NM_001406722.1); short protein forms K610Q.
Identifiers: ClinVar variation 2915481 (VCV002915481.3), dbSNP rs2548521101, ClinGen allele CA387766142.